The following is an entry in ClinVar:

NM_001162383.2(ARHGEF2):c.1101+7G>A

Genes: ARHGEF2 (Rho/Rac guanine nucleotide exchange factor 2; minus strand), LOC122128443 (CDK7 strongly-dependent group 2 enhancer GRCh37_chr1:155931313-155932512; plus strand). Cytogenetic location: 1q22.
Variant type: single nucleotide variant.
Coding change: c.1101+7G>A on transcript NM_001162383.2 (MANE Select); 7 bases into the intron after coding-DNA position 1101, G replaced by A.
Molecular consequence: intron variant.
Genome position (GRCh38, 1-based): chr1:155,962,586, C>T on the plus strand (G>A on the coding strand, the complement: ARHGEF2 is on the minus strand). VCF-style: chr1-155962586-C-T. GRCh37 (hg19) VCF-style: chr1-155932377-C-T.
Other names: c.1047+7G>A (NM_001350112.2); c.1020+7G>A (NM_001350110.2, NM_001350111.2); c.1098+7G>A (NM_001162384.2); c.1017+7G>A (NM_004723.4).
Identifiers: ClinVar variation 3040107 (VCV003040107.2), dbSNP rs372537775, ClinGen allele CA1153360.

ClinVar aggregate classification (germline): Likely benign (0 of 4 stars; one submission).

Conditions:
ARHGEF2-related disorder. Also called: ARHGEF2-related condition.

Allele frequency attached by ClinVar (database versions not stated): gnomAD 0.00002; gnomAD exomes 0.00002; TOPMed 0.00002; ExAC 0.00003; ESP Exome Variant Server 0.00008; 1000 Genomes Project 0.00040; 1000 Genomes Project 30x 0.00062.
gnomAD v4.1: 31 of 1,612,864 alleles (0.0019%); highest among the groups gnomAD compares: South Asian, 0.012%; no homozygotes.

Submission:

PreventionGenetics, part of Exact Sciences
Classification: Likely benign for ARHGEF2-related condition. Last evaluated: 2019-09-19. Review status: no assertion criteria provided. Collection method: clinical testing. Allele origin: germline.
Comment: This variant is classified as likely benign based on ACMG/AMP sequence variant interpretation guidelines (Richards et al. 2015 PMID: 25741868, with internal and published modifications).